The following is an entry in ClinVar:

ClinVar aggregate classification (germline): Uncertain significance (1 of 4 stars; one submission).

Conditions:
Peroxisome biogenesis disorder 7A (Zellweger). Also called: Peroxisome biogenesis disorder 7A. Identifiers: Orphanet 912, MedGen C3888385, MONDO:0013938, OMIM 614872.
Peroxisome biogenesis disorder 7B (PBD7B). Identifiers: Orphanet 44, MedGen C3553951, MONDO:0013939, OMIM 614873.

Allele frequency attached by ClinVar (database versions not stated): TOPMed below 0.00001; gnomAD 0.00001; gnomAD exomes 0.00001; ESP Exome Variant Server 0.00010.
gnomAD v4.1: 19 of 1,577,290 alleles (0.0012%); highest among the groups gnomAD compares: Non-Finnish European, 0.0016%; no homozygotes.

Submission:

Labcorp Genetics (formerly Invitae), Labcorp
Classification: Uncertain significance for Peroxisome biogenesis disorder 7A (Zellweger); Peroxisome biogenesis disorder 7B. Last evaluated: 2021-12-08. Review status: criteria provided, single submitter. Criteria: Invitae Variant Classification Sherloc (09022015). Collection method: clinical testing. Allele origin: germline.
Comment: This sequence change replaces alanine, which is neutral and non-polar, with threonine, which is neutral and polar, at codon 27 of the PEX26 protein (p.Ala27Thr). This variant is not present in population databases (gnomAD no frequency). This variant has not been reported in the literature in individuals affected with PEX26-related conditions. Algorithms developed to predict the effect of missense changes on protein structure and function (SIFT, PolyPhen-2, Align-GVGD) all suggest that this variant is likely to be tolerated. In summary, the available evidence is currently insufficient to determine the role of this variant in disease. Therefore, it has been classified as a Variant of Uncertain Significance.

NM_001127649.3(PEX26):c.79G>A (p.Ala27Thr)

Gene: PEX26 (peroxisomal biogenesis factor 26; plus strand). Cytogenetic location: 22q11.21.
Variant type: single nucleotide variant.
Coding change: c.79G>A on transcript NM_001127649.3 (MANE Select); coding-DNA position 79, G replaced by A.
Protein change: p.Ala27Thr; replaces alanine 27 with threonine.
Molecular consequence: missense variant.
Genome position (GRCh38, 1-based): chr22:18,078,455, G>A. VCF-style: chr22-18078455-G-A. GRCh37 (hg19) VCF-style: chr22-18561221-G-A.
Other names: c.79G>A, p.Ala27Thr (NM_001199319.2, NM_017929.6); short protein forms A27T.
Identifiers: ClinVar variation 1377238 (VCV001377238.3), dbSNP rs374630564, ClinGen allele CA10093217.